The following is an entry in ClinVar:

NM_001170700.3(DTHD1):c.1577C>T (p.Ser526Phe)

Gene: DTHD1 (death domain containing 1; plus strand). Cytogenetic location: 4p14.
Variant type: single nucleotide variant.
Coding change: c.1577C>T on transcript NM_001170700.3 (MANE Select); coding-DNA position 1577, C replaced by T.
Protein change: p.Ser526Phe; replaces serine 526 with phenylalanine.
Molecular consequence: missense variant. On other transcripts: non-coding transcript variant (2).
Genome position (GRCh38, 1-based): chr4:36,294,973, C>T. VCF-style: chr4-36294973-C-T. GRCh37 (hg19) VCF-style: chr4-36296595-C-T.
Other names: c.707C>T, p.Ser236Phe (NM_001136536.5); c.644C>T, p.Ser215Phe (NM_001378435.1); short protein forms S215F, S526F, S236F.
Identifiers: ClinVar variation 4724250 (VCV004724250.1).

ClinVar aggregate classification (germline): Uncertain significance (1 of 4 stars; one submission).

Submission:

Labcorp Genetics (formerly Invitae), Labcorp
Classification: Uncertain significance. Last evaluated: 2025-07-29. Review status: criteria provided, single submitter. Criteria: Invitae Variant Classification Sherloc (09022015). Collection method: clinical testing. Allele origin: germline.
Comment: This sequence change replaces serine, which is neutral and polar, with phenylalanine, which is neutral and non-polar, at codon 236 of the DTHD1 protein (p.Ser236Phe). This variant is not present in population databases (gnomAD no frequency). This variant has not been reported in the literature in individuals affected with DTHD1-related conditions. An algorithm developed to predict the effect of missense changes on protein structure and function (PolyPhen-2) suggests that this variant is likely to be tolerated. In summary, the available evidence is currently insufficient to determine the role of this variant in disease. Therefore, it has been classified as a Variant of Uncertain Significance.